The following is an entry in ClinVar:

ClinVar aggregate classification (germline): Uncertain significance (1 of 4 stars; one submission).

Conditions:
Insulin-dependent diabetes mellitus secretory diarrhea syndrome (IPEX). Also called: Immune dysregulation-polyendocrinopathy-enteropathy-X-linked syndrome; IMMUNODEFICIENCY, POLYENDOCRINOPATHY, AND ENTEROPATHY, X-LINKED; IPEX and IPEX-Like; Immunodeficiency, Polyendocrinopathy, and Enteropathy X-Linked Syndrome; X-Linked Syndrome of Polyendocrinopathy, Immune Dysfunction, and Diarrhea; DIABETES MELLITUS, CONGENITAL INSULIN-DEPENDENT, WITH FATAL SECRETORY DIARRHEA. Identifiers: Orphanet 37042, MedGen C0342288, MONDO:0010580, OMIM 304790. Disease mechanism: loss of function.

Allele frequency attached by ClinVar (database versions not stated): gnomAD exomes 0.00001; TOPMed 0.00001; gnomAD 0.00002.
gnomAD v4.1: 14 of 1,166,373 alleles (0.0012%); highest among the groups gnomAD compares: Non-Finnish European, 0.0016%; no homozygotes.

Submission:

Labcorp Genetics (formerly Invitae), Labcorp
Classification: Uncertain significance for Insulin-dependent diabetes mellitus secretory diarrhea syndrome. Last evaluated: 2025-07-27. Review status: criteria provided, single submitter. Criteria: Invitae Variant Classification Sherloc (09022015). Collection method: clinical testing. Allele origin: germline.
Comment: This sequence change replaces glycine, which is neutral and non-polar, with valine, which is neutral and non-polar, at codon 47 of the FOXP3 protein (p.Gly47Val). The frequency data for this variant in the population databases is considered unreliable, as metrics indicate poor data quality at this position in the gnomAD database. This variant has not been reported in the literature in individuals affected with FOXP3-related conditions. ClinVar contains an entry for this variant (Variation ID: 576632). Invitae Evidence Modeling of protein sequence and biophysical properties (such as structural, functional, and spatial information, amino acid conservation, physicochemical variation, residue mobility, and thermodynamic stability) indicates that this missense variant is not expected to disrupt FOXP3 protein function with a negative predictive value of 95%. In summary, the available evidence is currently insufficient to determine the role of this variant in disease. Therefore, it has been classified as a Variant of Uncertain Significance.

NM_014009.4(FOXP3):c.140G>T (p.Gly47Val)

Gene: FOXP3 (forkhead box P3; minus strand). Cytogenetic location: Xp11.23.
Variant type: single nucleotide variant.
Coding change: c.140G>T on transcript NM_014009.4 (MANE Select); coding-DNA position 140, G replaced by T.
Protein change: p.Gly47Val; replaces glycine 47 with valine.
Molecular consequence: missense variant.
Genome position (GRCh38, 1-based): chrX:49,258,366, C>A on the plus strand (G>T on the coding strand, the complement: FOXP3 is on the minus strand). VCF-style: chrX-49258366-C-A. GRCh37 (hg19) VCF-style: chrX-49114823-C-A.
Other names: c.140G>T, p.Gly47Val (NM_001114377.2); short protein forms G47V.
Identifiers: ClinVar variation 576632 (VCV000576632.9), dbSNP rs1432262933, ClinGen allele CA412954021.